The following is an entry in ClinVar:

NM_004168.4(SDHA):c.739A>G (p.Ile247Val)

Gene: SDHA (succinate dehydrogenase complex flavoprotein subunit A; plus strand). Cytogenetic location: 5p15.33.
Variant type: single nucleotide variant.
Coding change: c.739A>G on transcript NM_004168.4 (MANE Select); coding-DNA position 739, A replaced by G.
Protein change: p.Ile247Val; replaces isoleucine 247 with valine.
Molecular consequence: missense variant.
Genome position (GRCh38, 1-based): chr5:228,302, A>G. VCF-style: chr5-228302-A-G. GRCh37 (hg19) VCF-style: chr5-228417-A-G.
Other names: c.595A>G, p.Ile199Val (NM_001294332.2); c.739A>G, p.Ile247Val (NM_001330758.2); short protein forms I247V, I199V.
Identifiers: ClinVar variation 232828 (VCV000232828.24), dbSNP rs571292356, ClinGen allele CA3172957.
Genomic context (GRCh38, chr5:228,302, plus strand): 5'-GAGAATGGGGAGTGCCGTGGTGTCATCGCACTGTGCATAGAGGACGGGTCCATCCATCGC[A>G]TAAGAGCAAAGAACACTGTTGTTGCCACAGGGTAGGAATCTCATTTCTACTTTATTTTGT-3'
Protein context (NP_004159.2, residues 237-257): LCIEDGSIHR[Ile247Val]RAKNTVVATG

ClinVar aggregate classification (germline): Conflicting classifications of pathogenicity. Review status: criteria provided, conflicting classifications (1 of 4 stars). 9 submissions from 9 submitters: Uncertain significance (5); Likely benign (3). 1 of the submissions does not count toward it. Last evaluated 2026-02-02.

Conditions:
Mitochondrial complex II deficiency, nuclear type 1. Also called: SUCCINATE CoQ REDUCTASE DEFICIENCY. Identifiers: Orphanet 3208, MedGen C5700310, MONDO:0100294, OMIM 252011.
Pheochromocytoma/paraganglioma syndrome 5. Also called: Paragangliomas 5; SDHA-Related Hereditary Paraganglioma-Pheochromocytoma Syndrome. Identifiers: Orphanet 29072, MedGen C3279992, MONDO:0013602, OMIM 614165.
Hereditary cancer-predisposing syndrome. Also called: Hereditary Cancer Syndrome; Hereditary neoplastic syndrome; Neoplastic Syndromes, Hereditary; Tumor predisposition. Identifiers: Orphanet 140162, MedGen C0027672, MeSH D009386, MONDO:0015356.
Leigh syndrome (NULS). Also called: Leigh's syndrome; LEIGH SYNDROME, NUCLEAR; Leigh's necrotizing encephalopathy; Leigh's disease; Leigh Syndrome (mtDNA deletion); Leigh Disease. Identifiers: Orphanet 506, MedGen C2931891, MONDO:0009723, OMIM 256000.
Dilated cardiomyopathy 1GG (CMD1GG). Identifiers: Orphanet 154, MedGen C3150898, MONDO:0013339, OMIM 613642.

Allele frequency attached by ClinVar (database versions not stated): gnomAD 0.00004 and 0.00007; TOPMed 0.00006; ExAC 0.00011; gnomAD exomes 0.00013; 1000 Genomes Project 0.00040; 1000 Genomes Project 30x 0.00047.

Submissions (9):

Labcorp Genetics (formerly Invitae), Labcorp
Classification: Likely benign for Pheochromocytoma/paraganglioma syndrome 5; Mitochondrial complex II deficiency, nuclear type 1. Last evaluated: 2026-02-02. Review status: criteria provided, single submitter. Criteria: Invitae Variant Classification Sherloc (09022015). Collection method: clinical testing. Allele origin: germline.

Quest Diagnostics Nichols Institute San Juan Capistrano
Classification: Likely benign. Last evaluated: 2025-07-17. Review status: criteria provided, single submitter. Criteria: Quest Diagnostics criteria. Collection method: clinical testing. Allele origin: unknown.

Baylor Genetics
Classification: Uncertain significance for Dilated cardiomyopathy 1GG. Last evaluated: 2024-02-25. Review status: criteria provided, single submitter. Criteria: ACMG Guidelines, 2015. Collection method: clinical testing. Allele origin: unknown.

St. Jude Molecular Pathology, St. Jude Children's Research Hospital
Classification: Uncertain significance for Pheochromocytoma/paraganglioma syndrome 5. Last evaluated: 2024-01-25. Review status: criteria provided, single submitter. Criteria: St. Jude Assertion Criteria 2020. Collection method: clinical testing. Allele origin: germline.
Comment: The SDHA c.739A>G (p.Ile247Val) missense change has a maximum subpopulation frequency of 0.18% in gnomAD v2.1.1. The in silico tool REVEL predicts a benign effect on protein function, but to our knowledge this prediction has not been confirmed by functional studies. To our knowledge, this variant has not been reported in individuals with SDHA-associated tumors. In summary, the evidence currently available is insufficient to determine the clinical significance of this variant. It has therefore been classified as of uncertain significance.

GeneDx
Classification: Uncertain significance. Last evaluated: 2023-10-06. Review status: criteria provided, single submitter. Criteria: GeneDx Variant Classification Process June 2021. Collection method: clinical testing. Allele origin: germline. Affected: yes.
Comment: In silico analysis supports that this missense variant does not alter protein structure/function; In silico analysis suggests this variant may impact gene splicing. In the absence of RNA/functional studies, the actual effect of this sequence change is unknown.; This variant is associated with the following publications: (PMID: 28873162, 31512412, 30455982, 34754157, 32091409)

Myriad Genetics, Inc.
Classification: Uncertain significance for Pheochromocytoma/paraganglioma syndrome 5. Last evaluated: 2023-04-21. Review status: criteria provided, single submitter. Criteria: Myriad Autosomal Dominant, Autosomal Recessive and X-Linked Classification Criteria (2023). Collection method: clinical testing. Allele origin: unknown.
Comment: This variant is classified as a variant of uncertain significance as there is insufficient evidence to determine its impact on protein function and/or cancer risk.

Ambry Genetics
Classification: Likely benign for Hereditary cancer-predisposing syndrome. Last evaluated: 2020-12-04. Review status: criteria provided, single submitter. Criteria: Ambry Variant Classification Scheme 2023. Collection method: clinical testing. Allele origin: germline.

Fulgent Genetics
Classification: Uncertain significance for Mitochondrial complex II deficiency, nuclear type 1; Leigh syndrome; Dilated cardiomyopathy 1GG; Pheochromocytoma/paraganglioma syndrome 5. Last evaluated: 2018-10-31. Review status: criteria provided, single submitter. Criteria: ACMG Guidelines, 2015. Collection method: clinical testing. Allele origin: unknown.

Counsyl
Classification: Uncertain significance for Pheochromocytoma/paraganglioma syndrome 5. Last evaluated: 2018-04-17. Review status: no assertion criteria provided. Collection method: clinical testing. Allele origin: unknown. Not counted in ClinVar's aggregate classification.

Literature cited by the submitters: PubMed 38473309 (cited by Quest Diagnostics Nichols Institute San Juan Capistrano); PubMed 36072793 (cited by Quest Diagnostics Nichols Institute San Juan Capistrano); PubMed 31512412 (cited by Quest Diagnostics Nichols Institute San Juan Capistrano and Ambry Genetics); PubMed 32561571 (cited by Quest Diagnostics Nichols Institute San Juan Capistrano); PubMed 32091409 (cited by Quest Diagnostics Nichols Institute San Juan Capistrano); PubMed 28380452 (cited by Quest Diagnostics Nichols Institute San Juan Capistrano); PubMed 36253524 (cited by Quest Diagnostics Nichols Institute San Juan Capistrano); PubMed 32373528 (cited by Quest Diagnostics Nichols Institute San Juan Capistrano); PubMed 34754157 (cited by Quest Diagnostics Nichols Institute San Juan Capistrano).